The following is an entry in ClinVar:

NM_003632.3(CNTNAP1):c.808C>T (p.Arg270Ter)

Gene: CNTNAP1 (contactin associated protein 1; plus strand). Cytogenetic location: 17q21.2.
Variant type: single nucleotide variant.
Coding change: c.808C>T on transcript NM_003632.3 (MANE Select); coding-DNA position 808, C replaced by T.
Protein change: p.Arg270Ter; replaces arginine 270 with a stop codon.
Molecular consequence: nonsense.
Genome position (GRCh38, 1-based): chr17:42,686,049, C>T. VCF-style: chr17-42686049-C-T. GRCh37 (hg19) VCF-style: chr17-40838067-C-T.
Other names: short protein forms R270*.
Identifiers: ClinVar variation 3764630 (VCV003764630.1).

ClinVar aggregate classification (germline): Pathogenic (1 of 4 stars; one submission).

Conditions:
CNTNAP1-related disorder. Also called: CNTNAP1-related disease; CNTNAP1-related condition.

gnomAD v4.1: 1 of 1,614,046 alleles (0.000062%); highest among the groups gnomAD compares: Non-Finnish European, 0.000085%; no homozygotes.

Submission:

Daryl Scott Lab, Baylor College of Medicine
Classification: Pathogenic for CNTNAP1-related disorder. Last evaluated: 2024-01-01. Review status: criteria provided, single submitter. Criteria: ACMG Guidelines, 2015. Collection method: clinical testing. Allele origin: maternal. Observed: 1 heterozygote.
Comment: PVS1, PM2